The following is an entry in ClinVar:

NM_000257.4(MYH7):c.976G>A (p.Ala326Thr)

Gene: MYH7 (myosin heavy chain 7; minus strand). Cytogenetic location: 14q11.2.
Variant type: single nucleotide variant.
Coding change: c.976G>A on transcript NM_000257.4 (MANE Select); coding-DNA position 976, G replaced by A.
Protein change: p.Ala326Thr; replaces alanine 326 with threonine.
Molecular consequence: missense variant.
Genome position (GRCh38, 1-based): chr14:23,430,583, C>T on the plus strand (G>A on the coding strand, the complement: MYH7 is on the minus strand). VCF-style: chr14-23430583-C-T. GRCh37 (hg19) VCF-style: chr14-23899792-C-T.
Other names: short protein forms A326T.
Identifiers: ClinVar variation 1332124 (VCV001332124.28), dbSNP rs372731424, ClinGen allele CA257825320.
Genomic context (GRCh38, chr14:23,430,583, plus strand): 5'-ATCCTCCCACCCCCTGGCTGGGTCCTCACACACTCACATCAGTGGCCATGAGCTCCTCAG[C>T]GTCATCAATGGAGGCCACGGTGGTCTCTCCTTGGGAGATGAATGCATAATCGTAGGGGTT-3'
Protein context (NP_000248.2, residues 316-336): GETTVASIDD[Ala326Thr]EELMATDNAF

ClinVar aggregate classification (germline): Uncertain significance. Review status: criteria provided, multiple submitters, no conflicts (2 of 4 stars). 8 submissions from 8 submitters: Uncertain significance (8). Last evaluated 2026-07-01.

Conditions:
Cardiomyopathy (CMYO). Also called: Cardiomyopathies. Identifiers: Orphanet 167848, MedGen C0878544, MONDO:0004994, HP:0001638. Inheritance: Various modes of inheritance.
Hypertrophic cardiomyopathy. Also called: HYPERTROPHIC MYOCARDIOPATHY. Identifiers: Orphanet 217569, MedGen C0007194, MeSH D002312, MONDO:0005045, HP:0001639.
Cardiovascular phenotype. Identifiers: MedGen CN230736.
Hypertrophic cardiomyopathy 1 (CMH1). Also called: Familial hypertrophic cardiomyopathy 1; MYH7-Related Familial Hypertrophic Cardiomyopathy. Identifiers: MedGen C3495498, MONDO:0008647, OMIM 192600.
Myopathy, myosin storage, autosomal recessive (CMYO7B). Also called: CONGENITAL MYOPATHY 7B, MYOSIN STORAGE, AUTOSOMAL RECESSIVE. Identifiers: Orphanet 636970, MedGen C1850709, MONDO:0009708, OMIM 255160.
Myosin storage myopathy (CMYO7A). Also called: MYOPATHY, HYALINE BODY, AUTOSOMAL DOMINANT; SCAPULOPERONEAL MUSCULAR DYSTROPHY; SCAPULOPERONEAL SYNDROME, MYOPATHIC TYPE; Scapuloperoneal myopathy, MYH7-related; MYOPATHY WITH LYSIS OF TYPE I MYOFIBRILS; MYH7-related late-onset scapuloperoneal muscular dystrophy. Identifiers: Orphanet 437572, Orphanet 636965, MedGen C1842160, MONDO:0008409, OMIM 608358.
Dilated cardiomyopathy 1S (CMD1S). Identifiers: Orphanet 154, Orphanet 54260, MedGen C1834481, MONDO:0013262, OMIM 613426.
MYH7-related skeletal myopathy. Also called: Laing distal myopathy; Laing early-onset distal myopathy; Myopathy, distal, 1; MYOPATHY, DISTAL, EARLY-ONSET, AUTOSOMAL DOMINANT; MYOPATHY, LATE DISTAL HEREDITARY. Identifiers: Orphanet 59135, MedGen C4552004, MONDO:0008050, OMIM 160500.
Congenital myopathy with fiber type disproportion. Also called: Congenital fiber-type disproportion myopathy; Congenital fiber-type disproportion. Identifiers: Orphanet 2020, MedGen C0546264, MONDO:0009711. Inheritance: all.

gnomAD v4.1: 13 of 1,613,830 alleles (0.00081%); highest among the groups gnomAD compares: African/African-American, 0.0053%; no homozygotes.

Submissions (8):

CeGaT Center for Human Genetics Tuebingen
Classification: Uncertain significance. Last evaluated: 2026-07-01. Review status: criteria provided, single submitter. Criteria: CeGaT Center For Human Genetics Tuebingen Variant Classification Criteria Version 2. Collection method: clinical testing. Allele origin: germline. Affected: yes. Observed: 1 variant allele.
Comment: MYH7: PM1, PM2:Supporting

Labcorp Genetics (formerly Invitae), Labcorp
Classification: Uncertain significance for Hypertrophic cardiomyopathy. Last evaluated: 2025-09-02. Review status: criteria provided, single submitter. Criteria: Invitae Variant Classification Sherloc (09022015). Collection method: clinical testing. Allele origin: germline.
Comment: This sequence change replaces alanine, which is neutral and non-polar, with threonine, which is neutral and polar, at codon 326 of the MYH7 protein (p.Ala326Thr). This variant is present in population databases (no rsID available, gnomAD 0.007%). This missense change has been observed in individual(s) with dilated cardiomyopathy (PMID: 37652022). ClinVar contains an entry for this variant (Variation ID: 1332124). Invitae Evidence Modeling of protein sequence and biophysical properties (such as structural, functional, and spatial information, amino acid conservation, physicochemical variation, residue mobility, and thermodynamic stability) has been performed for this missense variant. However, the output from this modeling did not meet the statistical confidence thresholds required to predict the impact of this variant on MYH7 protein function. In summary, the available evidence is currently insufficient to determine the role of this variant in disease. Therefore, it has been classified as a Variant of Uncertain Significance.

Ambry Genetics
Classification: Uncertain significance for Cardiovascular phenotype. Last evaluated: 2025-04-04. Review status: criteria provided, single submitter. Criteria: Ambry Variant Classification Scheme 2023. Collection method: clinical testing. Allele origin: germline.
Comment: The p.A326T variant (also known as c.976G>A), located in coding exon 9 of the MYH7 gene, results from a G to A substitution at nucleotide position 976. The alanine at codon 326 is replaced by threonine, an amino acid with similar properties. This variant was reported in individual(s) with features consistent with dilated cardiomyopathy (DCM) (McGurk KA et al. Am J Hum Genet, 2023 Sep;110:1482-1495; Ambry internal data). This amino acid position is poorly conserved in available vertebrate species. In addition, this alteration is predicted to be tolerated by in silico analysis. Based on the available evidence, the clinical significance of this variant remains unclear.

Revvity Omics, Revvity
Classification: Uncertain significance. Last evaluated: 2024-09-02. Review status: criteria provided, single submitter. Criteria: ACMG Guidelines, 2015. Collection method: clinical testing. Allele origin: germline.

All of Us Research Program, National Institutes of Health
Classification: Uncertain significance for Cardiomyopathy. Last evaluated: 2024-06-09. Review status: criteria provided, single submitter. Criteria: ACMG Guidelines, 2015. Collection method: clinical testing. Allele origin: germline. Inheritance: Autosomal dominant inheritance. Observed: 3 variant alleles, 3 heterozygotes.
Comment: This missense variant replaces alanine with threonine at codon 326 of the MYH7 protein. Computational prediction suggests that this variant may not impact protein structure and function (internally defined REVEL score threshold <= 0.5, PMID: 27666373). To our knowledge, functional studies have not been reported for this variant. This variant has been reported in two individuals affected with hypertrophic cardiomyopathy (PMID: 27532257). This variant has been identified in 1/251204 chromosomes in the general population by the Genome Aggregation Database (gnomAD). The available evidence is insufficient to determine the role of this variant in disease conclusively. Therefore, this variant is classified as a Variant of Uncertain Significance.

This study involves interpretation of variants in research participants for the purpose of population health screening. Participant phenotype was not available at the time of variant classification. Additional details can be found in publication PMID: 35346344, PMCID: PMC8962531

Color Diagnostics, LLC DBA Color Health
Classification: Uncertain significance for Cardiomyopathy. Last evaluated: 2024-06-05. Review status: criteria provided, single submitter. Criteria: ACMG Guidelines, 2015. Collection method: clinical testing. Allele origin: germline.
Comment: This missense variant replaces alanine with threonine at codon 326 of the MYH7 protein. Computational prediction tools indicate that this variant has a neutral impact on protein structure and function. To our knowledge, functional studies have not been reported for this variant. This variant has not been reported in individuals affected with MYH7-related disorders in the literature. This variant has been identified in 1/251204 chromosomes in the general population by the Genome Aggregation Database (gnomAD). The available evidence is insufficient to determine the role of this variant in disease conclusively. Therefore, this variant is classified as a Variant of Uncertain Significance.

Fulgent Genetics
Classification: Uncertain significance for MYH7-related skeletal myopathy; Myosin storage myopathy; Hypertrophic cardiomyopathy 1; Myopathy, myosin storage, autosomal recessive; Congenital myopathy 4A, autosomal dominant; Dilated cardiomyopathy 1S. Last evaluated: 2021-10-22. Review status: criteria provided, single submitter. Criteria: ACMG Guidelines, 2015. Collection method: clinical testing. Allele origin: unknown.

Blueprint Genetics
Classification: Uncertain significance. Last evaluated: 2017-11-23. Review status: criteria provided, single submitter. Criteria: ACMG Guidelines, 2015. Collection method: clinical testing. Allele origin: germline.

Literature cited by the submitters: PubMed 37652022 (cited by Labcorp Genetics (formerly Invitae), Labcorp and Ambry Genetics); PubMed 27247418 (cited by Ambry Genetics); PubMed 27532257 (cited by All of Us Research Program, National Institutes of Health).